The following is an entry in ClinVar:

ClinVar aggregate classification (germline): Uncertain significance (0 of 4 stars; one submission).

Conditions:
CHD7-related disorder. Also called: CHD7-related condition.

Submission:

PreventionGenetics, part of Exact Sciences
Classification: Uncertain significance for CHD7-related condition. Last evaluated: 2024-09-10. Review status: no assertion criteria provided. Collection method: clinical testing. Allele origin: germline.
Comment: The CHD7 c.6359C>T variant is predicted to result in the amino acid substitution p.Pro2120Leu. To our knowledge, this variant has not been reported in the literature or in a large population database, indicating this variant is rare. At this time, the clinical significance of this variant is uncertain due to the absence of conclusive functional and genetic evidence.

NM_017780.4(CHD7):c.6359C>T (p.Pro2120Leu)

Gene: CHD7 (chromodomain helicase DNA binding protein 7; plus strand). Cytogenetic location: 8q12.2.
Variant type: single nucleotide variant.
Coding change: c.6359C>T on transcript NM_017780.4 (MANE Select); coding-DNA position 6359, C replaced by T.
Protein change: p.Pro2120Leu; replaces proline 2120 with leucine.
Molecular consequence: missense variant. On other transcripts: intron variant (1).
Genome position (GRCh38, 1-based): chr8:60,853,084, C>T. VCF-style: chr8-60853084-C-T. GRCh37 (hg19) VCF-style: chr8-61765643-C-T.
Other names: c.1717-9145C>T (NM_001316690.1); short protein forms P2120L.
Identifiers: ClinVar variation 3346801 (VCV003346801.1).